The following is an entry in ClinVar:

ClinVar aggregate classification (germline): Uncertain significance (1 of 4 stars; one submission).

Allele frequency attached by ClinVar (database versions not stated): ExAC 0.00001; ESP Exome Variant Server 0.00008.
gnomAD v4.1: 17 of 1,613,722 alleles (0.0011%); highest among the groups gnomAD compares: East Asian, 0.011%; no homozygotes.

Submission:

Labcorp Genetics (formerly Invitae), Labcorp
Classification: Uncertain significance. Last evaluated: 2021-08-26. Review status: criteria provided, single submitter. Criteria: Invitae Variant Classification Sherloc (09022015). Collection method: clinical testing. Allele origin: germline.
Comment: This sequence change replaces lysine with glutamine at codon 265 of the PTPN23 protein (p.Lys265Gln). The lysine residue is highly conserved and there is a small physicochemical difference between lysine and glutamine. This variant is present in population databases (rs142355354, ExAC 0.006%). This variant has not been reported in the literature in individuals affected with PTPN23-related conditions. Algorithms developed to predict the effect of missense changes on protein structure and function are either unavailable or do not agree on the potential impact of this missense change (SIFT: "Tolerated"; PolyPhen-2: "Not Available"; Align-GVGD: "Class C0"). In summary, the available evidence is currently insufficient to determine the role of this variant in disease. Therefore, it has been classified as a Variant of Uncertain Significance.

NM_015466.4(PTPN23):c.793A>C (p.Lys265Gln)

Gene: PTPN23 (protein tyrosine phosphatase non-receptor type 23; plus strand). Cytogenetic location: 3p21.31.
Variant type: single nucleotide variant.
Coding change: c.793A>C on transcript NM_015466.4 (MANE Select); coding-DNA position 793, A replaced by C.
Protein change: p.Lys265Gln; replaces lysine 265 with glutamine.
Molecular consequence: missense variant.
Genome position (GRCh38, 1-based): chr3:47,406,736, A>C. VCF-style: chr3-47406736-A-C. GRCh37 (hg19) VCF-style: chr3-47448226-A-C.
Other names: c.415A>C, p.Lys139Gln (NM_001304482.2); short protein forms K139Q, K265Q.
Identifiers: ClinVar variation 1442518 (VCV001442518.5), dbSNP rs142355354, ClinGen allele CA2365484.